The following is an entry in ClinVar:

ClinVar aggregate classification (germline): Likely pathogenic (1 of 4 stars; one submission).

Conditions:
Spinocerebellar ataxia 48. Identifiers: Orphanet 631103, MedGen C4748158, MONDO:0032526, OMIM 618093.

gnomAD v4.1: 1 of 1,612,670 alleles (0.000062%); no homozygotes.

Submission:

Human Genetics Bochum, Ruhr University Bochum
Classification: Likely pathogenic for Spinocerebellar ataxia 48. Last evaluated: 2026-06-09. Review status: criteria provided, single submitter. Criteria: ACMG Guidelines, 2015. Collection method: clinical testing. Allele origin: germline. Affected: yes.
Comment: ACMG criteria used to clasify this variant: PVS1 , PM2_SUP

NM_005861.4(STUB1):c.355C>T (p.Arg119Ter)

Gene: STUB1 (STIP1 homology and U-box containing protein 1; plus strand). Cytogenetic location: 16p13.3.
Variant type: single nucleotide variant.
Coding change: c.355C>T on transcript NM_005861.4 (MANE Select); coding-DNA position 355, C replaced by T.
Protein change: p.Arg119Ter; replaces arginine 119 with a stop codon.
Molecular consequence: nonsense.
Genome position (GRCh38, 1-based): chr16:681,347, C>T. VCF-style: chr16-681347-C-T. GRCh37 (hg19) VCF-style: chr16-731347-C-T.
Other names: c.139C>T, p.Arg47Ter (NM_001293197.2); short protein forms R119*, R47*.
Identifiers: ClinVar variation 4876782 (VCV004876782.1).